The following is an entry in ClinVar:

NM_000258.3(MYL3):c.507G>A (p.Val169=)

Gene: MYL3 (myosin light chain 3; minus strand). Cytogenetic location: 3p21.31.
Variant type: single nucleotide variant.
Coding change: c.507G>A on transcript NM_000258.3 (MANE Select); coding-DNA position 507, G replaced by A.
Protein change: p.Val169=; no amino-acid change (valine 169 retained).
Molecular consequence: synonymous variant.
Genome position (GRCh38, 1-based): chr3:46,858,436, C>T on the plus strand (G>A on the coding strand, the complement: MYL3 is on the minus strand). VCF-style: chr3-46858436-C-T. GRCh37 (hg19) VCF-style: chr3-46899926-C-T.
Other names: c.507G>A (NM_000258.2).
Identifiers: ClinVar variation 1144683 (VCV001144683.11), dbSNP rs1166390418, ClinGen allele CA433474267.
Genomic context (GRCh38, chr3:46,858,436, plus strand): 5'-GAGCCCACCTTCATAGTTGATGCAGCCATTGGAGTCCTCTTGCCCAGCCATCAACTTCTC[C>T]ACTTCGTCTTCTGTCAGCCTCTCACCTGGCAGGAGTGGGAGGCTGAGTCAGCACCGTGCG-3'
Protein context (NP_000249.1, residues 159-179): TLGERLTEDE[Val169=]EKLMAGQEDS

ClinVar aggregate classification (germline): Likely benign. Review status: criteria provided, multiple submitters, no conflicts (2 of 4 stars). 5 submissions from 5 submitters: Likely benign (5). Last evaluated 2025-06-18.

Conditions:
Cardiomyopathy (CMYO). Also called: Cardiomyopathies. Identifiers: Orphanet 167848, MedGen C0878544, MONDO:0004994, HP:0001638. Inheritance: Various modes of inheritance.
Hypertrophic cardiomyopathy 8. Also called: MYL3-Related Familial Hypertrophic Cardiomyopathy; CARDIOMYOPATHY, HYPERTROPHIC, MID-LEFT VENTRICULAR CHAMBER TYPE, 1. Identifiers: MedGen C1837471, MONDO:0012111, OMIM 608751.
Cardiovascular phenotype. Identifiers: MedGen CN230736.
Hypertrophic cardiomyopathy. Also called: HYPERTROPHIC MYOCARDIOPATHY. Identifiers: Orphanet 217569, MedGen C0007194, MeSH D002312, MONDO:0005045, HP:0001639.

Allele frequency attached by ClinVar (database versions not stated): gnomAD exomes below 0.00001 and 0.00002; gnomAD 0.00001.
gnomAD v4.1: 29 of 1,613,716 alleles (0.0018%); highest among the groups gnomAD compares: African/African-American, 0.0027%; no homozygotes.

Submissions (5):

Labcorp Genetics (formerly Invitae), Labcorp
Classification: Likely benign for Hypertrophic cardiomyopathy. Last evaluated: 2025-06-18. Review status: criteria provided, single submitter. Criteria: Invitae Variant Classification Sherloc (09022015). Collection method: clinical testing. Allele origin: germline.

Ambry Genetics
Classification: Likely benign for Cardiovascular phenotype. Last evaluated: 2024-06-18. Review status: criteria provided, single submitter. Criteria: Ambry Variant Classification Scheme 2023. Collection method: clinical testing. Allele origin: germline.

All of Us Research Program, National Institutes of Health
Classification: Likely benign for Hypertrophic cardiomyopathy. Last evaluated: 2023-12-18. Review status: criteria provided, single submitter. Criteria: ACMG Guidelines, 2015. Collection method: clinical testing. Allele origin: germline. Inheritance: Autosomal dominant inheritance. Observed: 1 variant allele, 1 heterozygote.
Comment: This study involves interpretation of variants in research participants for the purpose of population health screening. Participant phenotype was not available at the time of variant classification. Additional details can be found in publication PMID: 35346344, PMCID: PMC8962531

Color Diagnostics, LLC DBA Color Health
Classification: Likely benign for Cardiomyopathy. Last evaluated: 2022-03-23. Review status: criteria provided, single submitter. Criteria: ACMG Guidelines, 2015. Collection method: clinical testing. Allele origin: germline.

Fulgent Genetics
Classification: Likely benign for Hypertrophic cardiomyopathy 8. Last evaluated: 2021-09-10. Review status: criteria provided, single submitter. Criteria: ACMG Guidelines, 2015. Collection method: clinical testing. Allele origin: unknown.